The following is an entry in ClinVar:

NM_015474.4(SAMHD1):c.1590C>G (p.Ile530Met)

Gene: SAMHD1 (SAM and HD domain containing deoxynucleoside triphosphate triphosphohydrolase 1; minus strand). Cytogenetic location: 20q11.23.
Variant type: single nucleotide variant.
Coding change: c.1590C>G on transcript NM_015474.4 (MANE Select); coding-DNA position 1590, C replaced by G.
Protein change: p.Ile530Met; replaces isoleucine 530 with methionine.
Molecular consequence: missense variant. On other transcripts: intron variant (1).
Genome position (GRCh38, 1-based): chr20:36,898,458, G>C on the plus strand (C>G on the coding strand, the complement: SAMHD1 is on the minus strand). VCF-style: chr20-36898458-G-C. GRCh37 (hg19) VCF-style: chr20-35526861-G-C.
Other names: c.1590C>G, p.Ile530Met (NM_001363733.2); c.1504-499C>G (NM_001363729.2); short protein forms I530M.
Identifiers: ClinVar variation 577316 (VCV000577316.8), dbSNP rs1354357820, ClinGen allele CA408840094.
Genomic context (GRCh38, chr20:36,898,458, plus strand): 5'-CTACATGCCACTATAGTATATTTGTTTTGCCTAAGTAGTTACCTGGTTTTTAGTAATCCT[G>C]ATTGCTCTGTTGGGGGCAGTCTTACAATAGAAGCTAACATGATCAATTGGATTCTTTTCT-3'
Protein context (NP_056289.2, residues 520-540): FYCKTAPNRA[Ile530Met]RITKNQVSQL

ClinVar aggregate classification (germline): Uncertain significance. Review status: criteria provided, multiple submitters, no conflicts (2 of 4 stars). 3 submissions from 3 submitters: Uncertain significance (2). 1 of the submissions does not count toward it. Last evaluated 2021-08-28.

Conditions:
Aicardi-Goutieres syndrome 5. Identifiers: Orphanet 51, MedGen C2749659, MONDO:0013059, OMIM 612952.
Aicardi Goutieres syndrome (AGS). Also called: Encephalopathy, familial infantile, with calcification of basal ganglia and chronic cerebrospinal fluid lymphocytosis. Identifiers: Orphanet 51, MedGen C0393591, MONDO:0018866.

Allele frequency attached by ClinVar (database versions not stated): gnomAD exomes below 0.00001; TOPMed 0.00001.
gnomAD v4.1: 5 of 1,613,280 alleles (0.00031%); highest among the groups gnomAD compares: Non-Finnish European, 0.00042%; no homozygotes.

Submissions (3):

Labcorp Genetics (formerly Invitae), Labcorp
Classification: Uncertain significance for Aicardi-Goutieres syndrome 5. Last evaluated: 2021-08-28. Review status: criteria provided, single submitter. Criteria: Invitae Variant Classification Sherloc (09022015). Collection method: clinical testing. Allele origin: germline.
Comment: This sequence change replaces isoleucine with methionine at codon 530 of the SAMHD1 protein (p.Ile530Met). The isoleucine residue is weakly conserved and there is a small physicochemical difference between isoleucine and methionine. This variant is not present in population databases (ExAC no frequency). This variant has not been reported in the literature in individuals affected with SAMHD1-related conditions. Algorithms developed to predict the effect of missense changes on protein structure and function (SIFT, PolyPhen-2, Align-GVGD) all suggest that this variant is likely to be tolerated. In summary, the available evidence is currently insufficient to determine the role of this variant in disease. Therefore, it has been classified as a Variant of Uncertain Significance.

Blueprint Genetics
Classification: Uncertain significance. Last evaluated: 2020-12-14. Review status: criteria provided, single submitter. Criteria: ACMG Guidelines, 2015. Collection method: clinical testing. Allele origin: germline.

Natera, Inc.
Classification: Uncertain significance for Aicardi-Goutieres syndrome. Last evaluated: 2021-04-23. Review status: no assertion criteria provided. Collection method: clinical testing. Allele origin: germline. Not counted in ClinVar's aggregate classification.